The following is an entry in ClinVar:

ClinVar aggregate classification (germline): Pathogenic (1 of 4 stars; one submission).

Submission:

Labcorp Genetics (formerly Invitae), Labcorp
Classification: Pathogenic. Last evaluated: 2022-09-14. Review status: criteria provided, single submitter. Criteria: Invitae Variant Classification Sherloc (09022015). Collection method: clinical testing. Allele origin: germline.
Comment: For these reasons, this variant has been classified as Pathogenic. This variant has not been reported in the literature in individuals affected with MICU1-related conditions. This variant is a gross deletion of the genomic region encompassing exon(s) 2-10 of the MICU1 gene, which includes the initiator codon. This deletion extends beyond the assayed region for this gene and therefore may encompass additional genes. It is expected to result in an absent or disrupted protein product. Loss-of-function variants in MICU1 are known to be pathogenic (PMID: 24336167).

Literature cited by the submitters: PubMed 24336167.

NC_000010.10:g.(?_74182972)_(74326551_?)del

Gene: MICU1 (mitochondrial calcium uptake 1; minus strand). Cytogenetic location: 10q22.1.
Variant type: Deletion.
Identifiers: ClinVar variation 2425506 (VCV002425506.3).